The following is an entry in ClinVar:

ClinVar aggregate classification (germline): Likely pathogenic (1 of 4 stars; one submission).

Conditions:
Autosomal recessive limb-girdle muscular dystrophy type 2J (LGMDR10). Also called: Limb-girdle muscular dystrophy, type 2J; MUSCULAR DYSTROPHY, LIMB-GIRDLE, AUTOSOMAL RECESSIVE 10. Identifiers: Orphanet 140922, MedGen C1837342, MONDO:0012127, OMIM 608807.
Dilated cardiomyopathy 1G (CMD1G). Identifiers: Orphanet 154, MedGen C1858763, MONDO:0011400, OMIM 604145.

Submission:

Labcorp Genetics (formerly Invitae), Labcorp
Classification: Likely pathogenic for Dilated cardiomyopathy 1G; Autosomal recessive limb-girdle muscular dystrophy type 2J. Last evaluated: 2026-01-26. Review status: criteria provided, single submitter. Criteria: Invitae Variant Classification Sherloc (09022015). Collection method: clinical testing. Allele origin: germline.
Comment: This sequence change creates a premature translational stop signal (p.Glu1676Asnfs*37) in the TTN gene. While this is not anticipated to result in nonsense mediated decay, it is expected to create a truncated TTN protein. This variant is not present in population databases (gnomAD no frequency). This variant has not been reported in the literature in individuals affected with TTN-related conditions. This variant is located in the Z band of TTN (PMID: 25589632). Truncating variants in this region have been reported in individuals affected with autosomal recessive centronuclear myopathy (PMID: 33449170, internal data). Truncating variants in this region have also been identified in individuals affected with autosomal dominant dilated cardiomyopathy and/or cardio-related conditions (PMID: 27869827, 32964742, internal data). In summary, the currently available evidence indicates that the variant is pathogenic, but additional data are needed to prove that conclusively. Therefore, this variant has been classified as Likely Pathogenic.

Literature cited by the submitters: PubMed 25589632; PubMed 33449170; PubMed 27869827; PubMed 32964742.

NM_001267550.2(TTN):c.5025del (p.Glu1676fs)

Gene: TTN (titin; minus strand). Cytogenetic location: 2q31.2.
Variant type: Deletion.
Coding change: c.5025del on transcript NM_001267550.2 (MANE Select); coding-DNA position 5025, one base deleted (A; older notation c.5025delA).
Protein change: p.Glu1676fs; shifts the reading frame from glutamic acid 1676.
Molecular consequence: frameshift variant.
Genome position (GRCh38, 1-based): chr2:178,776,839, T deleted on the plus strand (A on the coding strand, the reverse complement: TTN is on the minus strand). VCF-style (leftmost placement, unchanged base first): chr2-178776838-CT-C. GRCh37 (hg19) VCF-style: chr2-179641565-CT-C.
Other names: c.5025del, p.Glu1676fs (NM_001256850.1, NM_133378.4, NM_133379.5); c.4887del, p.Glu1630fs (NM_003319.4, NM_133432.3, NM_133437.4); short protein forms E1676fs, E1630fs.
Identifiers: ClinVar variation 4787372 (VCV004787372.1).